The following is an entry in ClinVar:

NM_000069.3(CACNA1S):c.1778G>A (p.Arg593Gln)

Gene: CACNA1S (calcium voltage-gated channel subunit alpha1 S; minus strand). Cytogenetic location: 1q32.1.
Variant type: single nucleotide variant.
Coding change: c.1778G>A on transcript NM_000069.3 (MANE Select); coding-DNA position 1778, G replaced by A.
Protein change: p.Arg593Gln; replaces arginine 593 with glutamine.
Molecular consequence: missense variant.
Genome position (GRCh38, 1-based): chr1:201,076,969, C>T on the plus strand (G>A on the coding strand, the complement: CACNA1S is on the minus strand). VCF-style: chr1-201076969-C-T. GRCh37 (hg19) VCF-style: chr1-201046097-C-T.
Other names: c.1778G>A (NM_000069.2); short protein forms R593Q.
Identifiers: ClinVar variation 1490533 (VCV001490533.11), dbSNP rs113812219, ClinGen allele CA078560.

ClinVar aggregate classification (germline): Conflicting classifications of pathogenicity. Review status: criteria provided, conflicting classifications (1 of 4 stars). 5 submissions from 5 submitters: Uncertain significance (4); Benign (1). Last evaluated 2025-10-09.

Conditions:
Malignant hyperthermia, susceptibility to, 5 (MHS5). Also called: CACNA1S-Related Malignant Hyperthermia Susceptibility. Identifiers: Orphanet 423, MedGen C1866077, MONDO:0011163, OMIM 601887.
Hypokalemic periodic paralysis, type 1. Also called: Hypokalemic Periodic Paralysis Type 1 (AD); HypoPP. Identifiers: Orphanet 681, MedGen C3714580, MONDO:0042979, OMIM 170400.
Inborn genetic diseases. Identifiers: MedGen C0950123, MeSH D030342.
Thyrotoxic periodic paralysis, susceptibility to, 1 (TTPP1). Identifiers: Orphanet 79102, MedGen C2749982, MONDO:0008570, OMIM 188580.

Allele frequency attached by ClinVar (database versions not stated): TOPMed 0.00002.
gnomAD v4.1: 43 of 1,614,110 alleles (0.0027%); highest among the groups gnomAD compares: Middle Eastern, 0.016%; no homozygotes.

Submissions (5):

Labcorp Genetics (formerly Invitae), Labcorp
Classification: Benign for Hypokalemic periodic paralysis, type 1; Malignant hyperthermia, susceptibility to, 5. Last evaluated: 2025-10-09. Review status: criteria provided, single submitter. Criteria: Invitae Variant Classification Sherloc (09022015). Collection method: clinical testing. Allele origin: germline.

All of Us Research Program, National Institutes of Health
Classification: Uncertain significance for Malignant hyperthermia, susceptibility to, 5. Last evaluated: 2024-09-23. Review status: criteria provided, single submitter. Criteria: ACMG Guidelines, 2015. Collection method: clinical testing. Allele origin: germline. Inheritance: Autosomal dominant inheritance. Observed: 8 variant alleles, 8 heterozygotes.
Comment: This missense variant replaces arginine with glutamine at codon 593 of the CACNA1S protein. Computational prediction suggests that this variant may not impact protein structure and function (internally defined REVEL score threshold <= 0.5, PMID: 27666373). To our knowledge, functional studies have not been reported for this variant. This variant has not been reported in individuals affected with CACNA1S-related disorders in the literature. This variant has been identified in 5/282904 chromosomes in the general population by the Genome Aggregation Database (gnomAD). The available evidence is insufficient to determine the role of this variant in disease conclusively. Therefore, this variant is classified as a Variant of Uncertain Significance.

This study involves interpretation of variants in research participants for the purpose of population health screening. Participant phenotype was not available at the time of variant classification. Additional details can be found in publication PMID: 35346344, PMCID: PMC8962531

Color Diagnostics, LLC DBA Color Health
Classification: Uncertain significance for Malignant hyperthermia, susceptibility to, 5. Last evaluated: 2024-02-20. Review status: criteria provided, single submitter. Criteria: ACMG Guidelines, 2015. Collection method: clinical testing. Allele origin: germline.
Comment: This missense variant replaces arginine with glutamine at codon 593 of the CACNA1S protein. Computational prediction suggests that this variant may not impact protein structure and function. To our knowledge, functional studies have not been reported for this variant. This variant has not been reported in individuals affected with CACNA1S-related disorders in the literature. This variant has been identified in 5/282904 chromosomes in the general population by the Genome Aggregation Database (gnomAD). The available evidence is insufficient to determine the role of this variant in disease conclusively. Therefore, this variant is classified as a Variant of Uncertain Significance.

Ambry Genetics
Classification: Uncertain significance for Inborn genetic diseases. Last evaluated: 2021-08-12. Review status: criteria provided, single submitter. Criteria: Ambry Variant Classification Scheme 2023. Collection method: clinical testing. Allele origin: germline.

Fulgent Genetics
Classification: Uncertain significance for Hypokalemic periodic paralysis, type 1; Thyrotoxic periodic paralysis, susceptibility to, 1; Malignant hyperthermia, susceptibility to, 5. Last evaluated: 2021-07-26. Review status: criteria provided, single submitter. Criteria: ACMG Guidelines, 2015. Collection method: clinical testing. Allele origin: unknown.